The following is an entry in ClinVar:

NM_002047.4(GARS1):c.1613+9T>C

Gene: GARS1 (glycyl-tRNA synthetase 1; plus strand). Cytogenetic location: 7p14.3.
Variant type: single nucleotide variant.
Coding change: c.1613+9T>C on transcript NM_002047.4 (MANE Select); 9 bases into the intron after coding-DNA position 1613, T replaced by C.
Molecular consequence: intron variant.
Genome position (GRCh38, 1-based): chr7:30,622,471, T>C. VCF-style: chr7-30622471-T-C. GRCh37 (hg19) VCF-style: chr7-30662087-T-C.
Other names: c.1613+9T>C (LRG_243t1); c.1451+9T>C (NM_001316772.1).
Identifiers: ClinVar variation 137441 (VCV000137441.26), dbSNP rs75855065, ClinGen allele CA291027.

ClinVar aggregate classification (germline): Benign. Review status: criteria provided, multiple submitters, no conflicts (2 of 4 stars). 11 submissions from 9 submitters: Benign (8). 3 of the submissions do not count toward it. Last evaluated 2026-02-02.

Conditions:
Distal spinal muscular atrophy. Also called: Distal hereditary motor neuropathy; Distal hereditary motor neuronopathy. Identifiers: Orphanet 53739, MedGen C0393541, MONDO:0018894.
Charcot-Marie-Tooth disease. Also called: Charcot-Marie-Tooth Neuropathy; Charcot-Marie-Tooth Hereditary Neuropathy. Identifiers: Orphanet 166, MedGen C0007959, MONDO:0015626.
Charcot-Marie-Tooth disease type 2. Also called: Charcot-Marie-Tooth type 2. Identifiers: Orphanet 64746, MedGen C0270914, MONDO:0018993.
Charcot-Marie-Tooth disease type 2D (CMT2D). Also called: CHARCOT-MARIE-TOOTH DISEASE, AXONAL, TYPE 2D; GARS1 Adolescent- or Early Adult-Onset Hereditary Motor/Sensory Neuropathy (GARS1-HMSN); Charcot-Marie-Tooth Neuropathy Type 2D; CHARCOT-MARIE-TOOTH DISEASE, NEURONAL, TYPE 2D. Identifiers: Orphanet 99938, MedGen C1832274, MONDO:0011091, OMIM 601472.
Neuronopathy, distal hereditary motor, type 5A (HMND5). Also called: DHMN VA; Distal Spinal Muscular Atrophy V; Distal Spinal Muscular Atrophy V (dSMA-V); NEURONOPATHY, DISTAL HEREDITARY MOTOR, AUTOSOMAL DOMINANT 5. Identifiers: Orphanet 139536, MedGen CN031873, MONDO:0015353, OMIM 600794.

Allele frequency attached by ClinVar (database versions not stated): 1000 Genomes Project 0.03135; 1000 Genomes Project 30x 0.03139; gnomAD exomes 0.03327; ExAC 0.03398; gnomAD 0.04659 and 0.04917; TOPMed 0.05142; ESP Exome Variant Server 0.05279.
gnomAD v4.1: 65,607 of 1,613,776 alleles (4.1%); highest among the groups gnomAD compares: African/African-American, 7.5%; 1,474 homozygotes.

Submissions (11):

Labcorp Genetics (formerly Invitae), Labcorp
Classification: Benign for Charcot-Marie-Tooth disease type 2. Last evaluated: 2026-02-02. Review status: criteria provided, single submitter. Criteria: Invitae Variant Classification Sherloc (09022015). Collection method: clinical testing. Allele origin: germline.

Athena Diagnostics
Classification: Benign. Last evaluated: 2025-10-02. Review status: criteria provided, single submitter. Criteria: Athena Diagnostics Criteria. Collection method: clinical testing. Allele origin: unknown.
Comment: The frequency of this variant in the general population is higher than would generally be expected for pathogenic variants in this gene.

Illumina Laboratory Services, Illumina
Classification: Benign for Charcot-Marie-Tooth disease type 2D. Last evaluated: 2018-01-12. Review status: criteria provided, single submitter. Criteria: ICSL Variant Classification Criteria 13 December 2019. Collection method: clinical testing. Allele origin: germline.
Comment: This variant was observed in the ICSL laboratory as part of a predisposition screen in an ostensibly healthy population. It had not been previously curated by ICSL or reported in the Human Gene Mutation Database (HGMD: prior to June 1st, 2018), and was therefore a candidate for classification through an automated scoring system. Utilizing variant allele frequency, disease prevalence and penetrance estimates, and inheritance mode, an automated score was calculated to assess if this variant is too frequent to cause the disease. Based on the score and internal cut-off values, a variant classified as benign is not then subjected to further curation. The score for this variant resulted in a classification of benign for this disease.

Illumina Laboratory Services, Illumina
Classification: Benign for Distal hereditary motor neuronopathy type 5. Last evaluated: 2018-01-12. Review status: criteria provided, single submitter. Criteria: ICSL Variant Classification Criteria 13 December 2019. Collection method: clinical testing. Allele origin: germline.
Comment: the same text as in the submission from Illumina Laboratory Services, Illumina above.

Illumina Laboratory Services, Illumina
Classification: Benign for Distal Spinal Muscular Atrophy. Last evaluated: 2018-01-12. Review status: criteria provided, single submitter. Criteria: ICSL Variant Classification Criteria 13 December 2019. Collection method: clinical testing. Allele origin: germline.
Comment: the same text as in the submission from Illumina Laboratory Services, Illumina above.

GeneDx
Classification: Benign. Last evaluated: 2014-04-03. Review status: criteria provided, single submitter. Criteria: GeneDx Variant Classification (06012015). Collection method: clinical testing. Allele origin: germline. Affected: yes.
Comment: This variant is considered likely benign or benign based on one or more of the following criteria: it is a conservative change, it occurs at a poorly conserved position in the protein, it is predicted to be benign by multiple in silico algorithms, and/or has population frequency not consistent with disease.

Molecular Genetics Laboratory, London Health Sciences Centre
Classification: Benign for Charcot-Marie-Tooth disease. Review status: criteria provided, single submitter. Criteria: ACMG Guidelines, 2015. Collection method: clinical testing. Allele origin: germline. Affected: yes.

PreventionGenetics, part of Exact Sciences
Classification: Benign. Review status: criteria provided, single submitter. Criteria: ACMG Guidelines, 2015. Collection method: clinical testing. Allele origin: germline.

Mayo Clinic Laboratories, Mayo Clinic
Classification: Benign. Last evaluated: 2016-02-29. Review status: no assertion criteria provided. Collection method: clinical testing. Allele origin: unknown. Not counted in ClinVar's aggregate classification.

Clinical Genetics, Academic Medical Center
Classification: Benign. Review status: no assertion criteria provided. Collection method: clinical testing. Allele origin: germline. Affected: yes. Study: VKGL Data-share Consensus. Not counted in ClinVar's aggregate classification.

Joint Genome Diagnostic Labs from Nijmegen and Maastricht, Radboudumc and MUMC+
Classification: Benign. Review status: no assertion criteria provided. Collection method: clinical testing. Allele origin: germline. Affected: yes. Study: VKGL Data-share Consensus. Not counted in ClinVar's aggregate classification.